The following is an entry in ClinVar:

ClinVar aggregate classification (germline): Likely benign. Review status: reviewed by expert panel (3 of 4 stars). 8 submissions from 8 submitters: Likely benign (1). 7 of the submissions do not count toward it. Last evaluated 2017-06-29.

Conditions:
BRCA2-related cancer predisposition. Identifiers: MedGen CN377758, MONDO:0700269.
Hereditary cancer-predisposing syndrome. Also called: Tumor predisposition; Hereditary Cancer Syndrome; Hereditary neoplastic syndrome; Neoplastic Syndromes, Hereditary. Identifiers: Orphanet 140162, MedGen C0027672, MeSH D009386, MONDO:0015356.
Hereditary breast ovarian cancer syndrome. Also called: Hereditary breast and ovarian cancer; Breast and ovarian cancer; BRCA1- and BRCA2-Associated Hereditary Breast and Ovarian Cancer; Hereditary breast and ovarian cancer syndrome; Hereditary breast and ovarian cancer syndrome (HBOC); Hereditary breast and/or ovarian cancer syndrome. Identifiers: Orphanet 145, MedGen C0677776, MeSH D061325, MONDO:0003582. Disease mechanism: loss of function.
Breast-ovarian cancer, familial, susceptibility to, 2 (BROVCA2). Also called: BRCA2 Hereditary Breast and Ovarian Cancer. Identifiers: Orphanet 145, MedGen C2675520, MONDO:0012933, OMIM 612555. Disease mechanism: loss of function.
Malignant tumor of breast. Also called: Malignant breast neoplasm; Cancer breast. Identifiers: MedGen C0006142, MONDO:0007254. Disease mechanism: loss of function.

Allele frequency attached by ClinVar (database versions not stated): TOPMed below 0.00001; gnomAD 0.00001.
gnomAD v4.1: 1 of 1,565,892 alleles (0.000064%); highest among the groups gnomAD compares: African/African-American, 0.0014%; no homozygotes.

Submissions (8):

Evidence-based Network for the Interpretation of Germline Mutant Alleles (ENIGMA)
Classification: Likely benign for Breast-ovarian cancer, familial, susceptibility to, 2. Last evaluated: 2017-06-29. Review status: reviewed by expert panel. Criteria: ENIGMA BRCA1/2 Classification Criteria (2017-06-29). Collection method: curation. Allele origin: germline.
Comment: Synonymous substitution variant, with low bioinformatic likelihood to result in a splicing aberration (Splicing prior probability 0.02).

Labcorp Genetics (formerly Invitae), Labcorp
Classification: Likely benign for Hereditary breast ovarian cancer syndrome. Last evaluated: 2025-08-05. Review status: criteria provided, single submitter. Criteria: Invitae Variant Classification Sherloc (09022015). Collection method: clinical testing. Allele origin: germline. Not counted in ClinVar's aggregate classification.

All of Us Research Program, National Institutes of Health
Classification: Likely benign for BRCA2-related cancer predisposition. Last evaluated: 2024-09-17. Review status: criteria provided, single submitter. Criteria: ACMG Guidelines, 2015. Collection method: clinical testing. Allele origin: germline. Inheritance: Autosomal dominant inheritance. Observed: 1 variant allele, 1 heterozygote. Not counted in ClinVar's aggregate classification.
Comment: This study involves interpretation of variants in research participants for the purpose of population health screening. Participant phenotype was not available at the time of variant classification. Additional details can be found in publication PMID: 35346344, PMCID: PMC8962531

Color Diagnostics, LLC DBA Color Health
Classification: Likely benign for Hereditary cancer-predisposing syndrome. Last evaluated: 2022-08-01. Review status: criteria provided, single submitter. Criteria: ACMG Guidelines, 2015. Collection method: clinical testing. Allele origin: germline. Not counted in ClinVar's aggregate classification.

Quest Diagnostics Nichols Institute San Juan Capistrano
Classification: Likely benign. Last evaluated: 2022-07-21. Review status: criteria provided, single submitter. Criteria: Quest Diagnostics criteria. Collection method: clinical testing. Allele origin: unknown. Not counted in ClinVar's aggregate classification.

Women's Health and Genetics/Laboratory Corporation of America, LabCorp
Classification: Likely benign. Last evaluated: 2021-12-12. Review status: criteria provided, single submitter. Criteria: LabCorp Variant Classification Summary - May 2015. Collection method: clinical testing. Allele origin: germline. Not counted in ClinVar's aggregate classification.

Ambry Genetics
Classification: Likely benign for Hereditary cancer-predisposing syndrome. Last evaluated: 2015-08-11. Review status: criteria provided, single submitter. Criteria: Ambry Variant Classification Scheme 2023. Collection method: clinical testing. Allele origin: germline. Not counted in ClinVar's aggregate classification.

Department of Pathology and Laboratory Medicine, Sinai Health System
Classification: Likely benign for Malignant tumor of breast. Review status: no assertion criteria provided. Collection method: clinical testing. Allele origin: unknown. Affected: yes. Study: The Canadian Open Genetics Repository (COGR). Not counted in ClinVar's aggregate classification.
Comment: The p.Leu2290Leu variant has not been reported in the literature nor previously identified by our laboratory. The p.Leu2290Leu variant is not expected to have clinical significance because it does not alter an amino acid residue, is not located near a splice junction, and is listed in dbSNP database (ID#: rs34545365) as a rare variant with an average heterozygosity of 0.002+/-0.032, increasing the likelihood that this is a low frequency benign variant. In summary, based on the above information this variant is classified as Predicted Benign

NM_000059.4(BRCA2):c.6868T>C (p.Leu2290=)

Gene: BRCA2 (BRCA2 DNA repair associated; plus strand). Cytogenetic location: 13q13.1.
Variant type: single nucleotide variant.
Coding change: c.6868T>C on transcript NM_000059.4 (MANE Select); coding-DNA position 6868, T replaced by C.
Protein change: p.Leu2290=; no amino-acid change (leucine 2290 retained).
Molecular consequence: synonymous variant.
Genome position (GRCh38, 1-based): chr13:32,344,584, T>C. VCF-style: chr13-32344584-T-C. GRCh37 (hg19) VCF-style: chr13-32918721-T-C.
Identifiers: ClinVar variation 233333 (VCV000233333.25), dbSNP rs876660341, ClinGen allele CA10579714.
Genomic context (GRCh38, chr13:32,344,584, plus strand): 5'-GCCTTAAAAACATATATGAAATATTTCTTTTTAGGAGAACCCTCAATCAAAAGAAACTTA[T>C]TAAATGAATTTGACAGGATAATAGAAAATCAAGAAAAATCCTTAAAGGCTTCAAAAAGCA-3'
Protein context (NP_000050.3, residues 2280-2300): VGEPSIKRNL[Leu2290=]NEFDRIIENQ